The following is an entry in ClinVar:

ClinVar aggregate classification (germline): Uncertain significance (1 of 4 stars; one submission).

Conditions:
Agammaglobulinemia 7, autosomal recessive (AGM7). Also called: AGAMMAGLOBULINEMIA, AUTOSOMAL RECESSIVE, DUE TO PIK3R1 DEFECT. Identifiers: MedGen C3554689, MONDO:0014083, OMIM 615214.
SHORT syndrome. Also called: PIK3R1-Related SHORT Syndrome; LIPODYSTROPHY, PARTIAL, WITH RIEGER ANOMALY AND SHORT STATURE; SHORT STATURE, HYPEREXTENSIBILITY, HERNIA, OCULAR DEPRESSION, RIEGER ANOMALY, AND TEETHING DELAY. Identifiers: Orphanet 3163, MedGen C0878684, MONDO:0010026, OMIM 269880.
Immunodeficiency 36 with lymphoproliferation. Also called: Activated PI3K Delta Syndrome Type 2 (APDS2); Immunodeficiency 36; ACTIVATED PI3K-DELTA SYNDROME 2. Identifiers: Orphanet 397596, Orphanet 693681, MedGen C4014934, MONDO:0014453, OMIM 616005.

Submission:

Labcorp Genetics (formerly Invitae), Labcorp
Classification: Uncertain significance for SHORT syndrome; Immunodeficiency 36 with lymphoproliferation; Agammaglobulinemia 7, autosomal recessive. Last evaluated: 2022-03-29. Review status: criteria provided, single submitter. Criteria: Invitae Variant Classification Sherloc (09022015). Collection method: clinical testing. Allele origin: germline.
Comment: This variant is not present in population databases (gnomAD no frequency). In summary, the available evidence is currently insufficient to determine the role of this variant in disease. Therefore, it has been classified as a Variant of Uncertain Significance. Advanced modeling of protein sequence and biophysical properties (such as structural, functional, and spatial information, amino acid conservation, physicochemical variation, residue mobility, and thermodynamic stability) performed at Invitae indicates that this missense variant is expected to disrupt PIK3R1 protein function. This variant has not been reported in the literature in individuals affected with PIK3R1-related conditions. This sequence change replaces threonine, which is neutral and polar, with serine, which is neutral and polar, at codon 354 of the PIK3R1 protein (p.Thr354Ser).

NM_181523.3(PIK3R1):c.1061C>G (p.Thr354Ser)

Gene: PIK3R1 (phosphoinositide-3-kinase regulatory subunit 1; plus strand). Cytogenetic location: 5q13.1.
Variant type: single nucleotide variant.
Coding change: c.1061C>G on transcript NM_181523.3 (MANE Select); coding-DNA position 1061, C replaced by G.
Protein change: p.Thr354Ser; replaces threonine 354 with serine.
Molecular consequence: missense variant. On other transcripts: 5 prime UTR variant (1).
Genome position (GRCh38, 1-based): chr5:68,293,142, C>G. VCF-style: chr5-68293142-C-G. GRCh37 (hg19) VCF-style: chr5-67588970-C-G.
Other names: c.-29C>G (NM_001242466.2); c.251C>G, p.Thr84Ser (NM_181504.4); c.161C>G, p.Thr54Ser (NM_181524.2); short protein forms T54S, T354S, T84S.
Identifiers: ClinVar variation 2119467 (VCV002119467.4), dbSNP rs2112253084, ClinGen allele CA359879124.
Genomic context (GRCh38, chr5:68,293,142, plus strand): 5'-TTTTGTGTTTTCATTTCAGGGAAGAAGTGAATGAAAAACTTCGAGATACAGCAGACGGGA[C>G]CTTTTTGGTACGAGATGCGTCTACTAAAATGCATGGTGATTATACTCTTACACTAAGGTA-3'
Protein context (NP_852664.1, residues 344-364): NEKLRDTADG[Thr354Ser]FLVRDASTKM